The following is an entry in ClinVar:

NM_182931.3(KMT2E):c.977T>C (p.Leu326Ser)

Gene: KMT2E (lysine methyltransferase 2E (inactive); plus strand). Cytogenetic location: 7q22.3.
Variant type: single nucleotide variant.
Coding change: c.977T>C on transcript NM_182931.3 (MANE Select); coding-DNA position 977, T replaced by C.
Protein change: p.Leu326Ser; replaces leucine 326 with serine.
Molecular consequence: missense variant.
Genome position (GRCh38, 1-based): chr7:105,077,171, T>C. VCF-style: chr7-105077171-T-C. GRCh37 (hg19) VCF-style: chr7-104717618-T-C.
Other names: c.977T>C, p.Leu326Ser (NM_001410908.1, NM_018682.4); short protein forms L326S.
Identifiers: ClinVar variation 2867206 (VCV002867206.3), dbSNP rs770070947, ClinGen allele CA368777876.
Genomic context (GRCh38, chr7:105,077,171, plus strand): 5'-GATTAGGCAATGGAAATGACAAAAAAGAGATGAATAAATCCGATTTGAATACCAACAATT[T>C]GCTCTTCAAACCTCCTGTAGAGGTAAATACATCATTTGTCCAAAAATTGTAAAGCAGTTT-3'
Protein context (NP_891847.1, residues 316-336): MNKSDLNTNN[Leu326Ser]LFKPPVESHI

ClinVar aggregate classification (germline): Uncertain significance (1 of 4 stars; one submission).

Submission:

Labcorp Genetics (formerly Invitae), Labcorp
Classification: Uncertain significance. Last evaluated: 2023-05-26. Review status: criteria provided, single submitter. Criteria: Invitae Variant Classification Sherloc (09022015). Collection method: clinical testing. Allele origin: germline.
Comment: Advanced modeling of protein sequence and biophysical properties (such as structural, functional, and spatial information, amino acid conservation, physicochemical variation, residue mobility, and thermodynamic stability) performed at Invitae indicates that this missense variant is not expected to disrupt KMT2E protein function. In summary, the available evidence is currently insufficient to determine the role of this variant in disease. Therefore, it has been classified as a Variant of Uncertain Significance. This variant has not been reported in the literature in individuals affected with KMT2E-related conditions. This variant is not present in population databases (gnomAD no frequency). This sequence change replaces leucine, which is neutral and non-polar, with serine, which is neutral and polar, at codon 326 of the KMT2E protein (p.Leu326Ser).